The following is an entry in ClinVar:

ClinVar aggregate classification (germline): Uncertain significance (1 of 4 stars; one submission).

Conditions:
Inborn genetic diseases. Identifiers: MedGen C0950123, MeSH D030342.

Submission:

Ambry Genetics
Classification: Uncertain significance for Inborn genetic diseases. Last evaluated: 2025-06-13. Review status: criteria provided, single submitter. Criteria: Ambry Variant Classification Scheme 2023. Collection method: clinical testing. Allele origin: germline.
Comment: The p.S1360R variant (also known as c.4080C>G), located in coding exon 1 of the SAMD9 gene, results from a C to G substitution at nucleotide position 4080. The serine at codon 1360 is replaced by arginine, an amino acid with dissimilar properties. This amino acid position is conserved. In addition, this alteration is predicted to be tolerated by in silico analysis. Based on the available evidence, the clinical significance of this variant remains unclear.

NM_017654.4(SAMD9):c.4080C>G (p.Ser1360Arg)

Gene: SAMD9 (sterile alpha motif domain containing 9; minus strand). Cytogenetic location: 7q21.2.
Variant type: single nucleotide variant.
Coding change: c.4080C>G on transcript NM_017654.4 (MANE Select); coding-DNA position 4080, C replaced by G.
Protein change: p.Ser1360Arg; replaces serine 1360 with arginine.
Molecular consequence: missense variant.
Genome position (GRCh38, 1-based): chr7:93,102,018, G>C on the plus strand (C>G on the coding strand, the complement: SAMD9 is on the minus strand). VCF-style: chr7-93102018-G-C. GRCh37 (hg19) VCF-style: chr7-92731331-G-C.
Other names: c.4080C>G, p.Ser1360Arg (NM_001193307.2); short protein forms S1360R.
Identifiers: ClinVar variation 3949734 (VCV003949734.1).